The following is an entry in ClinVar:

ClinVar aggregate classification (germline): Uncertain significance (1 of 4 stars; one submission).

Conditions:
Ehlers-Danlos syndrome, classic type, 1 (EDSCL1). Also called: EHLERS-DANLOS SYNDROME, GRAVIS TYPE; EHLERS-DANLOS SYNDROME, SEVERE CLASSIC TYPE; Ehlers-Danlos syndrome, type 1; Ehlers-Danlos Syndrome, Classic Type, COL5A1-Related; EDS I. Identifiers: MedGen C0268335, MONDO:0019567, OMIM 130000.

Submission:

Labcorp Genetics (formerly Invitae), Labcorp
Classification: Uncertain significance for Ehlers-Danlos syndrome, classic type, 1. Last evaluated: 2021-06-05. Review status: criteria provided, single submitter. Criteria: Invitae Variant Classification Sherloc (09022015). Collection method: clinical testing. Allele origin: germline.
Comment: This sequence change replaces valine with leucine at codon 1205 of the COL5A2 protein (p.Val1205Leu). The valine residue is highly conserved and there is a small physicochemical difference between valine and leucine. This variant is not present in population databases (ExAC no frequency). This variant has not been reported in the literature in individuals with COL5A2-related conditions. Advanced modeling of protein sequence and biophysical properties (such as structural, functional, and spatial information, amino acid conservation, physicochemical variation, residue mobility, and thermodynamic stability) performed at Invitae indicates that this missense variant is not expected to disrupt COL5A2 protein function. In summary, the available evidence is currently insufficient to determine the role of this variant in disease. Therefore, it has been classified as a Variant of Uncertain Significance.

NM_000393.5(COL5A2):c.3613G>T (p.Val1205Leu)

Gene: COL5A2 (collagen type V alpha 2 chain; minus strand). Cytogenetic location: 2q32.2.
Variant type: single nucleotide variant.
Coding change: c.3613G>T on transcript NM_000393.5 (MANE Select); coding-DNA position 3613, G replaced by T.
Protein change: p.Val1205Leu; replaces valine 1205 with leucine.
Molecular consequence: missense variant.
Genome position (GRCh38, 1-based): chr2:189,041,606, C>A on the plus strand (G>T on the coding strand, the complement: COL5A2 is on the minus strand). VCF-style: chr2-189041606-C-A. GRCh37 (hg19) VCF-style: chr2-189906332-C-A.
Other names: short protein forms V1205L.
Identifiers: ClinVar variation 1525104 (VCV001525104.8), dbSNP rs377660244, ClinGen allele CA349859591.